The following is an entry in ClinVar:

ClinVar aggregate classification (germline): not provided (0 of 4 stars; one submission).

Submission:

ClinVar Staff, National Center for Biotechnology Information (NCBI)
No classification provided. Review status: no classification provided. Collection method: not provided. Allele origin: unknown.
Comment: Based on information supplied by Graeme Grimes.

NM_000278.5(PAX2):c.832del (p.Asp278fs)

Gene: PAX2 (paired box 2; plus strand). Cytogenetic location: 10q24.31.
Variant type: Deletion.
Coding change: c.832del on transcript NM_000278.5 (MANE Select); coding-DNA position 832, one base deleted (G; older notation c.832delG).
Protein change: p.Asp278fs; shifts the reading frame from aspartic acid 278.
Molecular consequence: frameshift variant.
Genome position (GRCh38, 1-based): chr10:100,809,149, G deleted. VCF-style (leftmost placement, unchanged base first): chr10-100809148-TG-T. GRCh37 (hg19) VCF-style: chr10-102568905-TG-T.
Other names: c.925del, p.Asp309fs (NM_001304569.2); c.901del, p.Asp301fs (NM_003987.5, NM_003990.5); c.832del, p.Asp278fs (NM_003988.5, NM_003989.5); short protein forms D278fs, D301fs, D309fs.
Identifiers: ClinVar variation 156299 (VCV000156299.1), dbSNP rs78914041, ClinGen allele CA233178.